The following is an entry in ClinVar:

NM_000384.3(APOB):c.1343C>T (p.Ala448Val)

Gene: APOB (apolipoprotein B; minus strand). Cytogenetic location: 2p24.1.
Variant type: single nucleotide variant.
Coding change: c.1343C>T on transcript NM_000384.3 (MANE Select); coding-DNA position 1343, C replaced by T.
Protein change: p.Ala448Val; replaces alanine 448 with valine.
Molecular consequence: missense variant.
Genome position (GRCh38, 1-based): chr2:21,032,363, G>A on the plus strand (C>T on the coding strand, the complement: APOB is on the minus strand). VCF-style: chr2-21032363-G-A. GRCh37 (hg19) VCF-style: chr2-21255235-G-A.
Other names: short protein forms A448V.
Identifiers: ClinVar variation 926354 (VCV000926354.16), dbSNP rs148167725, ClinGen allele CA052716.
Genomic context (GRCh38, chr2:21,032,363, plus strand): 5'-TGCAAGATGTTCCTCTGCTCCTAGGAGGAGAAATACAGTGTGGAAACTCACTTGTTGACC[G>A]CGTGGCTCAGCGCATACAAGGTGGCTCGGCTGCGCTGATCCCTCGCCATGTTGAAGATCT-3'
Protein context (NP_000375.3, residues 438-458): SRATLYALSH[Ala448Val]VNNYHKTNPT

ClinVar aggregate classification (germline): Conflicting classifications of pathogenicity. Review status: criteria provided, conflicting classifications (1 of 4 stars). 4 submissions from 4 submitters: Uncertain significance (1); Likely benign (3). Last evaluated 2025-10-17.

Conditions:
Cardiovascular phenotype. Identifiers: MedGen CN230736.
Familial hypobetalipoproteinemia 1. Also called: Hypobetalipoproteinemia, normotriglyceridemic; Acanthocytosis with hypobetalipoproteinemia; APOB-Related Familial Hypobetalipoproteinemia. Identifiers: MedGen C4551990, MONDO:0014252, OMIM 615558.
Hypercholesterolemia, autosomal dominant, type B (FHCL2). Also called: Familial Hypercholesterolemia Type B; HYPERCHOLESTEROLEMIA, FAMILIAL, DUE TO LIGAND-DEFECTIVE APOLIPOPROTEIN B; Familial hypercholesterolemia 2; APOB-Related Familial Hypercholesterolemia, Autosomal Dominant; APOLIPOPROTEIN B-100, FAMILIAL DEFECTIVE; APOLIPOPROTEIN B-100, FAMILIAL LIGAND-DEFECTIVE. Identifiers: MedGen C1704417, MONDO:0007751, OMIM 144010.

Allele frequency attached by ClinVar (database versions not stated): gnomAD 0.00012; TOPMed 0.00012; ESP Exome Variant Server 0.00023.
gnomAD v4.1: 64 of 1,612,850 alleles (0.004%); highest among the groups gnomAD compares: African/African-American, 0.023%; no homozygotes.

Submissions (4):

Labcorp Genetics (formerly Invitae), Labcorp
Classification: Likely benign for Familial hypobetalipoproteinemia 1; Hypercholesterolemia, autosomal dominant, type B. Last evaluated: 2025-10-17. Review status: criteria provided, single submitter. Criteria: Invitae Variant Classification Sherloc (09022015). Collection method: clinical testing. Allele origin: germline.

Ambry Genetics
Classification: Likely benign for Cardiovascular phenotype. Last evaluated: 2025-04-18. Review status: criteria provided, single submitter. Criteria: Ambry Variant Classification Scheme 2023. Collection method: clinical testing. Allele origin: germline.

Molecular Diagnostic Laboratory for Inherited Cardiovascular Disease, Montreal Heart Institute
Classification: Likely benign. Last evaluated: 2025-04-09. Review status: criteria provided, single submitter. Criteria: ACMG Guidelines, 2015. Collection method: clinical testing. Allele origin: germline. Affected: no.

GeneDx
Classification: Uncertain significance. Last evaluated: 2024-12-22. Review status: criteria provided, single submitter. Criteria: GeneDx Variant Classification Process June 2021. Collection method: clinical testing. Allele origin: germline. Affected: yes.
Comment: Has not been previously published as pathogenic or benign in association with hypercholesterolemia to our knowledge; In silico analysis indicates that this missense variant does not alter protein structure/function; This variant is associated with the following publications: (PMID: 35982160, 35982159)